The following is an entry in ClinVar:

ClinVar aggregate classification (germline): Conflicting classifications of pathogenicity. Review status: criteria provided, conflicting classifications (1 of 4 stars). 2 submissions from 2 submitters: Uncertain significance (1); Likely benign (1). Last evaluated 2024-11-11.

Conditions:
Autosomal recessive severe congenital neutropenia due to CSF3R deficiency. Also called: Neutropenia, severe congenital, 7, autosomal recessive. Identifiers: Orphanet 420702, MedGen C4310764, MONDO:0014865, OMIM 617014.

Allele frequency attached by ClinVar (database versions not stated): ExAC 0.00008; ESP Exome Variant Server 0.00008.
gnomAD v4.1: 19 of 1,604,816 alleles (0.0012%); highest among the groups gnomAD compares: African/African-American, 0.008%; no homozygotes.

Submissions (2):

Blueprint Genetics
Classification: Likely benign. Last evaluated: 2024-11-11. Review status: criteria provided, single submitter. Criteria: ACMG Guidelines, 2015. Collection method: clinical testing. Allele origin: germline.

Labcorp Genetics (formerly Invitae), Labcorp
Classification: Uncertain significance for Autosomal recessive severe congenital neutropenia due to CSF3R deficiency. Last evaluated: 2022-09-21. Review status: criteria provided, single submitter. Criteria: Invitae Variant Classification Sherloc (09022015). Collection method: clinical testing. Allele origin: germline.
Comment: In summary, the available evidence is currently insufficient to determine the role of this variant in disease. Therefore, it has been classified as a Variant of Uncertain Significance. Advanced modeling of protein sequence and biophysical properties (such as structural, functional, and spatial information, amino acid conservation, physicochemical variation, residue mobility, and thermodynamic stability) performed at Invitae indicates that this missense variant is not expected to disrupt CSF3R protein function. This variant has not been reported in the literature in individuals affected with CSF3R-related conditions. The frequency data for this variant in the population databases is considered unreliable, as metrics indicate poor data quality at this position in the gnomAD database. This sequence change replaces arginine, which is basic and polar, with tryptophan, which is neutral and slightly polar, at codon 233 of the CSF3R protein (p.Arg233Trp).

NM_000760.4(CSF3R):c.697C>T (p.Arg233Trp)

Gene: CSF3R (colony stimulating factor 3 receptor; minus strand). Cytogenetic location: 1p34.3.
Variant type: single nucleotide variant.
Coding change: c.697C>T on transcript NM_000760.4 (MANE Select); coding-DNA position 697, C replaced by T.
Protein change: p.Arg233Trp; replaces arginine 233 with tryptophan.
Molecular consequence: missense variant.
Genome position (GRCh38, 1-based): chr1:36,472,663, G>A on the plus strand (C>T on the coding strand, the complement: CSF3R is on the minus strand). VCF-style: chr1-36472663-G-A. GRCh37 (hg19) VCF-style: chr1-36938264-G-A.
Other names: c.697C>T, p.Arg233Trp (NM_156039.3, NM_172313.3); short protein forms R233W.
Identifiers: ClinVar variation 2421735 (VCV002421735.7), dbSNP rs150616658, ClinGen allele CA769403.